The following is an entry in ClinVar:

ClinVar aggregate classification (germline): Uncertain significance (1 of 4 stars; one submission).

Submission:

GeneDx
Classification: Uncertain significance. Last evaluated: 2024-08-16. Review status: criteria provided, single submitter. Criteria: GeneDx Variant Classification Process June 2021. Collection method: clinical testing. Allele origin: germline. Affected: yes.
Comment: Not observed at significant frequency in large population cohorts (gnomAD); In silico analysis supports that this missense variant has a deleterious effect on protein structure/function; Has not been previously published as pathogenic or benign to our knowledge

NM_001366521.1(ATP2B1):c.1274C>T (p.Thr425Ile)

Gene: ATP2B1 (ATPase plasma membrane Ca2+ transporting 1; minus strand). Cytogenetic location: 12q21.33.
Variant type: single nucleotide variant.
Coding change: c.1274C>T on transcript NM_001366521.1 (MANE Select); coding-DNA position 1274, C replaced by T.
Protein change: p.Thr425Ile; replaces threonine 425 with isoleucine.
Molecular consequence: missense variant. On other transcripts: non-coding transcript variant (3).
Genome position (GRCh38, 1-based): chr12:89,624,253, G>A on the plus strand (C>T on the coding strand, the complement: ATP2B1 is on the minus strand). VCF-style: chr12-89624253-G-A. GRCh37 (hg19) VCF-style: chr12-90018030-G-A.
Other names: c.1274C>T, p.Thr425Ile (NM_001001323.2, NM_001366520.1, NM_001366522.1 and 13 more transcripts); c.1076C>T, p.Thr359Ile (NM_001366530.1, NM_001413053.1); c.713C>T, p.Thr238Ile (NM_001366531.1, NM_001366532.1, NM_001413058.1 and 2 more transcripts); c.1235C>T, p.Thr412Ile (NM_001413048.1); c.1133C>T, p.Thr378Ile (NM_001413051.1, NM_001413052.1, NM_001413055.1); c.1019C>T, p.Thr340Ile (NM_001413056.1); c.821C>T, p.Thr274Ile (NM_001413057.1); short protein forms T378I, T274I, T359I, T412I, T238I, T340I, T425I.
Identifiers: ClinVar variation 3731264 (VCV003731264.1).